The following is an entry in ClinVar:

ClinVar aggregate classification (germline): Uncertain significance (1 of 4 stars; one submission).

Allele frequency attached by ClinVar (database versions not stated): ExAC 0.00001.
gnomAD v4.1: 1 of 1,614,084 alleles (0.000062%); highest among the groups gnomAD compares: Admixed American, 0.0017%; no homozygotes.

Submission:

Labcorp Genetics (formerly Invitae), Labcorp
Classification: Uncertain significance. Last evaluated: 2022-08-01. Review status: criteria provided, single submitter. Criteria: Invitae Variant Classification Sherloc (09022015). Collection method: clinical testing. Allele origin: germline.
Comment: In summary, the available evidence is currently insufficient to determine the role of this variant in disease. Therefore, it has been classified as a Variant of Uncertain Significance. Advanced modeling of protein sequence and biophysical properties (such as structural, functional, and spatial information, amino acid conservation, physicochemical variation, residue mobility, and thermodynamic stability) performed at Invitae indicates that this missense variant is not expected to disrupt FAT4 protein function. This variant has not been reported in the literature in individuals affected with FAT4-related conditions. This variant is present in population databases (rs202233968, gnomAD 0.003%). This sequence change replaces asparagine, which is neutral and polar, with lysine, which is basic and polar, at codon 4553 of the FAT4 protein (p.Asn4553Lys).

NM_001291303.3(FAT4):c.13665C>A (p.Asn4555Lys)

Gene: FAT4 (FAT atypical cadherin 4; plus strand). Cytogenetic location: 4q28.1.
Variant type: single nucleotide variant.
Coding change: c.13665C>A on transcript NM_001291303.3 (MANE Select); coding-DNA position 13665, C replaced by A.
Protein change: p.Asn4555Lys; replaces asparagine 4555 with lysine.
Molecular consequence: missense variant.
Genome position (GRCh38, 1-based): chr4:125,490,481, C>A. VCF-style: chr4-125490481-C-A. GRCh37 (hg19) VCF-style: chr4-126411636-C-A.
Other names: c.13662C>A, p.Asn4554Lys (NM_001291285.3); c.13659C>A, p.Asn4553Lys (NM_024582.6); short protein forms N4554K, N4555K, N4553K.
Identifiers: ClinVar variation 2116131 (VCV002116131.2), dbSNP rs202233968, ClinGen allele CA3074412.
Genomic context (GRCh38, chr4:125,490,481, plus strand): 5'-GGCCAAAAATCCCAAAGAGGAGAAGAAACCGAAGGAGAAGAAGAAAAAGGGAAGTGAGAA[C>A]GTTGCTTTTGATGACCCTGACAATATCCCTCCCTATGGGGATGACATGACTGTGAGGAAG-3'
Protein context (NP_001278232.1, residues 4545-4565): PKEKKKKGSE[Asn4555Lys]VAFDDPDNIP